The following is an entry in ClinVar:

ClinVar aggregate classification (germline): Uncertain significance. Review status: criteria provided, multiple submitters, no conflicts (2 of 4 stars). 2 submissions from 2 submitters: Uncertain significance (2). Last evaluated 2024-08-19.

Conditions:
Hereditary nonpolyposis colorectal neoplasms. Identifiers: MedGen C0009405, MeSH D003123.
Hereditary cancer-predisposing syndrome. Also called: Neoplastic Syndromes, Hereditary; Tumor predisposition; Hereditary neoplastic syndrome; Hereditary Cancer Syndrome. Identifiers: Orphanet 140162, MedGen C0027672, MeSH D009386, MONDO:0015356.

Allele frequency attached by ClinVar (database versions not stated): gnomAD exomes below 0.00001.
gnomAD v4.1: 1 of 1,614,186 alleles (0.000062%); highest among the groups gnomAD compares: Non-Finnish European, 0.000085%; no homozygotes.

Submissions (2):

Ambry Genetics
Classification: Uncertain significance for Hereditary cancer-predisposing syndrome. Last evaluated: 2024-08-19. Review status: criteria provided, single submitter. Criteria: Ambry Variant Classification Scheme 2023. Collection method: clinical testing. Allele origin: germline.
Comment: The p.E473D variant (also known as c.1419G>C), located in coding exon 11 of the PMS2 gene, results from a G to C substitution at nucleotide position 1419. The glutamic acid at codon 473 is replaced by aspartic acid, an amino acid with highly similar properties. This amino acid position is conserved. In addition, this alteration is predicted to be tolerated by in silico analysis. Based on the available evidence, the clinical significance of this variant remains unclear.

Labcorp Genetics (formerly Invitae), Labcorp
Classification: Uncertain significance for Hereditary nonpolyposis colorectal neoplasms. Last evaluated: 2023-07-28. Review status: criteria provided, single submitter. Criteria: Invitae Variant Classification Sherloc (09022015). Collection method: clinical testing. Allele origin: germline.
Comment: Advanced modeling of protein sequence and biophysical properties (such as structural, functional, and spatial information, amino acid conservation, physicochemical variation, residue mobility, and thermodynamic stability) performed at Invitae indicates that this missense variant is not expected to disrupt PMS2 protein function. This sequence change replaces glutamic acid, which is acidic and polar, with aspartic acid, which is acidic and polar, at codon 473 of the PMS2 protein (p.Glu473Asp). This variant is not present in population databases (gnomAD no frequency). This variant has not been reported in the literature in individuals affected with PMS2-related conditions. ClinVar contains an entry for this variant (Variation ID: 1390803). In summary, the available evidence is currently insufficient to determine the role of this variant in disease. Therefore, it has been classified as a Variant of Uncertain Significance.

NM_000535.7(PMS2):c.1419G>C (p.Glu473Asp)

Gene: PMS2 (PMS1 homolog 2, mismatch repair system component; minus strand). Cytogenetic location: 7p22.1.
Variant type: single nucleotide variant.
Coding change: c.1419G>C on transcript NM_000535.7 (MANE Select); coding-DNA position 1419, G replaced by C.
Protein change: p.Glu473Asp; replaces glutamic acid 473 with aspartic acid.
Molecular consequence: missense variant. On other transcripts: non-coding transcript variant (1).
Genome position (GRCh38, 1-based): chr7:5,987,346, C>G on the plus strand (G>C on the coding strand, the complement: PMS2 is on the minus strand). VCF-style: chr7-5987346-C-G. GRCh37 (hg19) VCF-style: chr7-6026977-C-G.
Other names: c.1014G>C, p.Glu338Asp (NM_001322003.2, NM_001322004.2, NM_001322005.2 and 1 more transcripts); c.1263G>C, p.Glu421Asp (NM_001322006.2); c.1101G>C, p.Glu367Asp (NM_001322007.2, NM_001322008.2); c.858G>C, p.Glu286Asp (NM_001322010.2); c.486G>C, p.Glu162Asp (NM_001322011.2, NM_001322012.2); c.846G>C, p.Glu282Asp (NM_001322013.2); c.1419G>C, p.Glu473Asp (NM_001322014.2); c.1110G>C, p.Glu370Asp (NM_001322015.2); and 1 more; short protein forms E473D, E282D, E286D, E338D, E367D, E162D, E370D, E421D.
Identifiers: ClinVar variation 1390803 (VCV001390803.9), dbSNP rs2128731146, ClinGen allele CA366742050.